The following is an entry in ClinVar:

NM_005751.5(AKAP9):c.11547-15T>G

Gene: AKAP9 (A-kinase anchoring protein 9; plus strand). Cytogenetic location: 7q21.2.
Variant type: single nucleotide variant.
Coding change: c.11547-15T>G on transcript NM_005751.5 (MANE Select); 15 bases into the intron before coding-DNA position 11547, T replaced by G.
Molecular consequence: intron variant.
Genome position (GRCh38, 1-based): chr7:92,108,479, T>G. VCF-style: chr7-92108479-T-G. GRCh37 (hg19) VCF-style: chr7-91737793-T-G.
Other names: c.11523-15T>G (NM_147185.3); c.6192-15T>G (NM_001379277.1).
Identifiers: ClinVar variation 2862137 (VCV002862137.3), dbSNP rs2535335259, ClinGen allele CA2739266533.

ClinVar aggregate classification (germline): Uncertain significance (1 of 4 stars; one submission).

Conditions:
Long QT syndrome (LQTS). Identifiers: MedGen C0023976, MeSH D008133, MONDO:0002442. Disease mechanism: loss of function. Inheritance: Various modes of inheritance.

Submission:

Labcorp Genetics (formerly Invitae), Labcorp
Classification: Uncertain significance for Long QT syndrome. Last evaluated: 2023-05-05. Review status: criteria provided, single submitter. Criteria: Invitae Variant Classification Sherloc (09022015). Collection method: clinical testing. Allele origin: germline.
Comment: In summary, the available evidence is currently insufficient to determine the role of this variant in disease. Therefore, it has been classified as a Variant of Uncertain Significance. Algorithms developed to predict the effect of sequence changes on RNA splicing suggest that this variant may disrupt the consensus splice site. This variant has not been reported in the literature in individuals affected with AKAP9-related conditions. This variant is not present in population databases (gnomAD no frequency). This sequence change falls in intron 48 of the AKAP9 gene. It does not directly change the encoded amino acid sequence of the AKAP9 protein.